The following is an entry in ClinVar:

NC_000001.10:g.(?_113456513)_(113460686_?)dup

Gene: SLC16A1 (solute carrier family 16 member 1; minus strand). Cytogenetic location: 1p13.2.
Variant type: Duplication.
Identifiers: ClinVar variation 2424616 (VCV002424616.4).

ClinVar aggregate classification (germline): Uncertain significance (1 of 4 stars; one submission).

Submission:

Labcorp Genetics (formerly Invitae), Labcorp
Classification: Uncertain significance. Last evaluated: 2024-01-09. Review status: criteria provided, single submitter. Criteria: Invitae Variant Classification Sherloc (09022015). Collection method: clinical testing. Allele origin: germline.
Comment: This variant results in a copy number gain of the genomic region encompassing exon(s) 4-5 of the SLC16A1 gene. This region includes the termination codon of the gene. This copy number gain extends beyond the assayed region for this gene and therefore may encompass additional genes. As the precise location of this event is unknown, it may be in tandem or it may be located elsewhere in the genome. This variant has not been reported in the literature in individuals affected with SLC16A1-related conditions. Experimental studies and prediction algorithms are not available or were not evaluated, and the functional significance of this variant is currently unknown. In summary, the available evidence is currently insufficient to determine the role of this variant in disease. Therefore, it has been classified as a Variant of Uncertain Significance.